The following is an entry in ClinVar:

NM_006164.5(NFE2L2):c.173G>A (p.Arg58Lys)

Gene: NFE2L2 (NFE2 like bZIP transcription factor 2; minus strand). Cytogenetic location: 2q31.2.
Variant type: single nucleotide variant.
Coding change: c.173G>A on transcript NM_006164.5 (MANE Select); coding-DNA position 173, G replaced by A.
Protein change: p.Arg58Lys; replaces arginine 58 with lysine.
Molecular consequence: missense variant. On other transcripts: 5 prime UTR variant (1), intron variant (1).
Genome position (GRCh38, 1-based): chr2:177,234,144, C>T on the plus strand (G>A on the coding strand, the complement: NFE2L2 is on the minus strand). VCF-style: chr2-177234144-C-T. GRCh37 (hg19) VCF-style: chr2-178098872-C-T.
Other names: c.125G>A, p.Arg42Lys (NM_001145412.3, NM_001145413.3, NM_001313900.1 and 1 more transcripts); c.173G>A, p.Arg58Lys (NM_001313902.2); c.-57G>A (NM_001313904.1); c.93+80G>A (NM_001313903.2); short protein forms R58K, R42K.
Identifiers: ClinVar variation 2865237 (VCV002865237.3), dbSNP rs1689660350, ClinGen allele CA349381041.
Genomic context (GRCh38, chr2:177,234,144, plus strand): 5'-TCATCTAGTTGTAACTGAGCGAAAAAGGCTTTCTCTTGCTCCTTTTGGAGTTGTTCTTGT[C>T]TTTCCTTTTCAAGTTTTTTCTGTTTTTCCAGCTCATACTCTTTCCGTCGCTGACTGAAGT-3'
Protein context (NP_006155.2, residues 48-68): LEKQKKLEKE[Arg58Lys]QEQLQKEQEK

ClinVar aggregate classification (germline): Uncertain significance (1 of 4 stars; one submission).

Submission:

Labcorp Genetics (formerly Invitae), Labcorp
Classification: Uncertain significance. Last evaluated: 2023-05-24. Review status: criteria provided, single submitter. Criteria: Invitae Variant Classification Sherloc (09022015). Collection method: clinical testing. Allele origin: germline.
Comment: This sequence change replaces arginine, which is basic and polar, with lysine, which is basic and polar, at codon 58 of the NFE2L2 protein (p.Arg58Lys). This variant is not present in population databases (gnomAD no frequency). This variant has not been reported in the literature in individuals affected with NFE2L2-related conditions. Advanced modeling of protein sequence and biophysical properties (such as structural, functional, and spatial information, amino acid conservation, physicochemical variation, residue mobility, and thermodynamic stability) performed at Invitae indicates that this missense variant is not expected to disrupt NFE2L2 protein function. In summary, the available evidence is currently insufficient to determine the role of this variant in disease. Therefore, it has been classified as a Variant of Uncertain Significance.